The following is an entry in ClinVar:

NM_000264.5(PTCH1):c.817dup (p.Tyr273fs)

Gene: PTCH1 (patched 1; minus strand). Cytogenetic location: 9q22.32.
Variant type: Duplication.
Coding change: c.817dup on transcript NM_000264.5 (MANE Select); coding-DNA position 817, one base duplicated (T; older notation c.817dupT).
Protein change: p.Tyr273fs; shifts the reading frame from tyrosine 273.
Molecular consequence: frameshift variant. On other transcripts: non-coding transcript variant (1).
Genome position (GRCh38, 1-based): chr9:95,480,518, A duplicated on the plus strand (T on the coding strand, the reverse complement: PTCH1 is on the minus strand). VCF-style (leftmost placement, unchanged base first): chr9-95480517-T-TA. GRCh37 (hg19) VCF-style: chr9-98242799-T-TA.
Other names: c.619dup, p.Tyr207fs (NM_001083602.3); c.814dup, p.Tyr272fs (NM_001083603.3); c.364dup, p.Tyr122fs (NM_001083604.3, NM_001083605.3, NM_001083606.3 and 1 more transcripts); c.817dup, p.Tyr273fs (NM_001354918.2); c.817dupT (NM_000264.3); short protein forms Y122fs, Y207fs, Y272fs, Y273fs.
Identifiers: ClinVar variation 3784632 (VCV003784632.1).

ClinVar aggregate classification (germline): Pathogenic (1 of 4 stars; one submission).

Conditions:
Hereditary cancer-predisposing syndrome. Also called: Neoplastic Syndromes, Hereditary; Hereditary Cancer Syndrome; Tumor predisposition; Hereditary neoplastic syndrome. Identifiers: Orphanet 140162, MedGen C0027672, MeSH D009386, MONDO:0015356.

Submission:

Ambry Genetics
Classification: Pathogenic for Hereditary cancer-predisposing syndrome. Last evaluated: 2025-01-23. Review status: criteria provided, single submitter. Criteria: Ambry Variant Classification Scheme 2023. Collection method: clinical testing. Allele origin: germline.
Comment: The c.817dupT pathogenic mutation, located in coding exon 6 of the PTCH1 gene, results from a duplication of T at nucleotide position 817, causing a translational frameshift with a predicted alternate stop codon (p.Y273Lfs*12). This variant was reported in individual(s) with features consistent with PTCH1-related nevoid basal cell carcinoma syndrome (Sim YC et al. J Craniofac Surg, 2018 May;29:e252-e255; Lee YW et al. Clin Exp Dermatol, 2007 Mar;32:202-3). This variant is considered to be rare based on population cohorts in the Genome Aggregation Database (gnomAD). This alteration is expected to result in loss of function by premature protein truncation or nonsense-mediated mRNA decay. As such, this alteration is interpreted as a disease-causing mutation.

Literature cited by the submitters: PubMed 16780502; PubMed 29381605.